The following is an entry in ClinVar:

ClinVar aggregate classification (germline): Likely benign (1 of 4 stars; one submission).

Submission:

GeneDx
Classification: Likely benign. Last evaluated: 2017-10-12. Review status: criteria provided, single submitter. Criteria: GeneDx Variant Classification (06012015). Collection method: clinical testing. Allele origin: germline. Affected: yes.
Comment: This variant is considered likely benign or benign based on one or more of the following criteria: it is a conservative change, it occurs at a poorly conserved position in the protein, it is predicted to be benign by multiple in silico algorithms, and/or has population frequency not consistent with disease.

NM_018429.3(BDP1):c.1245T>C (p.Asn415=)

Gene: BDP1 (B double prime 1, subunit of RNA polymerase III transcription initiation factor IIIB; plus strand). Cytogenetic location: 5q13.2.
Variant type: single nucleotide variant.
Coding change: c.1245T>C on transcript NM_018429.3 (MANE Select); coding-DNA position 1245, T replaced by C.
Protein change: p.Asn415=; no amino-acid change (asparagine 415 retained).
Molecular consequence: synonymous variant.
Genome position (GRCh38, 1-based): chr5:71,489,435, T>C. VCF-style: chr5-71489435-T-C. GRCh37 (hg19) VCF-style: chr5-70785262-T-C.
Identifiers: ClinVar variation 512248 (VCV000512248.1), dbSNP rs1554114011, ClinGen allele CA444793174.